The following is an entry in ClinVar:

ClinVar aggregate classification (germline): Uncertain significance (1 of 4 stars; one submission).

Conditions:
RASopathy. Also called: rasopathies; Noonan spectrum disorder. Identifiers: Orphanet 536391, MedGen C5555857, MONDO:0021060.

Submission:

Labcorp Genetics (formerly Invitae), Labcorp
Classification: Uncertain significance for RASopathy. Last evaluated: 2024-01-08. Review status: criteria provided, single submitter. Criteria: Invitae Variant Classification Sherloc (09022015). Collection method: clinical testing. Allele origin: germline.
Comment: This sequence change replaces methionine, which is neutral and non-polar, with arginine, which is basic and polar, at codon 23 of the BRAF protein (p.Met23Arg). This variant is not present in population databases (gnomAD no frequency). This variant has not been reported in the literature in individuals affected with BRAF-related conditions. ClinVar contains an entry for this variant (Variation ID: 1984688). Advanced modeling of protein sequence and biophysical properties (such as structural, functional, and spatial information, amino acid conservation, physicochemical variation, residue mobility, and thermodynamic stability) performed at Invitae indicates that this missense variant is expected to disrupt BRAF protein function with a positive predictive value of 95%. In summary, the available evidence is currently insufficient to determine the role of this variant in disease. Therefore, it has been classified as a Variant of Uncertain Significance.

NM_004333.6(BRAF):c.68T>G (p.Met23Arg)

Gene: BRAF (B-Raf proto-oncogene, serine/threonine kinase; minus strand). Cytogenetic location: 7q34.
Variant type: single nucleotide variant.
Coding change: c.68T>G on transcript NM_004333.6 (MANE Select); coding-DNA position 68, T replaced by G.
Protein change: p.Met23Arg; replaces methionine 23 with arginine.
Molecular consequence: missense variant.
Genome position (GRCh38, 1-based): chr7:140,924,636, A>C on the plus strand (T>G on the coding strand, the complement: BRAF is on the minus strand). VCF-style: chr7-140924636-A-C. GRCh37 (hg19) VCF-style: chr7-140624436-A-C.
Other names: c.68T>G, p.Met23Arg (NM_001354609.2, NM_001374244.1, NM_001374258.1 and 7 more transcripts); short protein forms M23R.
Identifiers: ClinVar variation 1984688 (VCV001984688.4), dbSNP rs746778122, ClinGen allele CA369590160.